The following is an entry in ClinVar:

NM_001384474.1(LOXHD1):c.6119G>A (p.Gly2040Asp)

Gene: LOXHD1 (lipoxygenase homology PLAT domains 1; minus strand). Cytogenetic location: 18q21.1.
Variant type: single nucleotide variant.
Coding change: c.6119G>A on transcript NM_001384474.1 (MANE Select); coding-DNA position 6119, G replaced by A.
Protein change: p.Gly2040Asp; replaces glycine 2040 with aspartic acid.
Molecular consequence: missense variant.
Genome position (GRCh38, 1-based): chr18:46,485,082, C>T on the plus strand (G>A on the coding strand, the complement: LOXHD1 is on the minus strand). VCF-style: chr18-46485082-C-T. GRCh37 (hg19) VCF-style: chr18-44065045-C-T.
Other names: c.2786G>A, p.Gly929Asp (NM_001145472.3); c.836G>A, p.Gly279Asp (NM_001145473.3, NM_001173129.2); c.2498G>A, p.Gly833Asp (NM_001308013.2); c.5933G>A, p.Gly1978Asp (NM_144612.7); short protein forms G1978D, G2040D, G279D, G833D, G929D.
Identifiers: ClinVar variation 3775406 (VCV003775406.3).

ClinVar aggregate classification (germline): Uncertain significance. Review status: criteria provided, multiple submitters, no conflicts (2 of 4 stars). 2 submissions from 2 submitters: Uncertain significance (2). Last evaluated 2025-04-02.

Conditions:
Autosomal recessive nonsyndromic hearing loss 77. Identifiers: Orphanet 90636, MedGen C2746083, MONDO:0013119, OMIM 613079.

gnomAD v4.1: 5 of 1,550,772 alleles (0.00032%); highest among the groups gnomAD compares: Non-Finnish European, 0.00044%; no homozygotes.

Submissions (2):

Women's Health and Genetics/Laboratory Corporation of America, LabCorp
Classification: Uncertain significance. Last evaluated: 2025-04-02. Review status: criteria provided, single submitter. Criteria: LabCorp Variant Classification Summary - May 2015. Collection method: clinical testing. Allele origin: germline.
Comment: Variant summary: LOXHD1 c.5933G>A (p.Gly1978Asp) results in a non-conservative amino acid change in the encoded protein sequence. Four of five in-silico tools predict a damaging effect of the variant on protein function. The frequency data for this variant in gnomAD is considered unreliable, as metrics indicate poor data quality at this position. c.5933G>A has been reported in the literature in at-least one compound heterozygous individual with onset of progressive, profound precipitous hearing loss at age 32 and tinnitus (example: Maekawa_2019). This report does not provide unequivocal conclusions about association of the variant with Nonsyndromic Hearing Loss And Deafness, Type 77. To our knowledge, no experimental evidence demonstrating an impact on protein function has been reported. The following publications have been ascertained in the context of this evaluation (PMID: 31547530, 34599366). No submitters have cited clinical-significance assessments for this variant to ClinVar. Based on the evidence outlined above, the variant was classified as uncertain significance.

3billion
Classification: Uncertain significance for Autosomal recessive nonsyndromic hearing loss 77. Last evaluated: 2024-01-07. Review status: criteria provided, single submitter. Criteria: ACMG Guidelines, 2015. Collection method: clinical testing. Allele origin: germline. Affected: yes.
Comment: The variant is observed at an extremely low frequency in the gnomAD v2.1.1 dataset (total allele frequency: <0.001%). Predicted Consequence/Location: The majority of the known disease-causing variants of this gene are variants expected to result in premature termination of the protein. In silico tool predictions suggest damaging effect of the variant on gene or gene product [REVEL: 0.75 (>=0.6, sensitivity 0.68 and specificity 0.92)]. Same nucleotide change resulting in same amino acid change has been previously reported to be associated with LOXHD1 related disorder (PMID: 31547530). However, the evidence of pathogenicity is insufficient at this time. Therefore, this variant is classified as VUS according to the recommendation of ACMG/AMP guideline.

Literature cited by the submitters: PubMed 31547530 (cited by Women's Health and Genetics/Laboratory Corporation of America, LabCorp and 3billion); PubMed 34599366 (cited by Women's Health and Genetics/Laboratory Corporation of America, LabCorp).